The following is an entry in ClinVar:

NM_177438.3(DICER1):c.5419G>T (p.Ala1807Ser)

Gene: DICER1 (dicer 1, ribonuclease III; minus strand). Cytogenetic location: 14q32.13.
Variant type: single nucleotide variant.
Coding change: c.5419G>T on transcript NM_177438.3 (MANE Select); coding-DNA position 5419, G replaced by T.
Protein change: p.Ala1807Ser; replaces alanine 1807 with serine.
Molecular consequence: missense variant. On other transcripts: intron variant (1).
Genome position (GRCh38, 1-based): chr14:95,091,311, C>A on the plus strand (G>T on the coding strand, the complement: DICER1 is on the minus strand). VCF-style: chr14-95091311-C-A. GRCh37 (hg19) VCF-style: chr14-95557648-C-A.
Other names: c.5419G>T, p.Ala1807Ser (NM_001271282.3, NM_001291628.2, NM_030621.4); c.5365-202G>T (NM_001195573.1); short protein forms A1807S.
Identifiers: ClinVar variation 1038903 (VCV001038903.10), dbSNP rs1889812008, ClinGen allele CA390864698.

ClinVar aggregate classification (germline): Uncertain significance (1 of 4 stars; one submission).

Conditions:
DICER1-related tumor predisposition. Also called: DICER1 syndrome; DICER1-related pleuropulmonary blastoma cancer predisposition syndrome. Identifiers: Orphanet 284343, MedGen C3839822, MONDO:0100216.

Allele frequency attached by ClinVar (database versions not stated): gnomAD exomes below 0.00001.
gnomAD v4.1: 2 of 1,614,080 alleles (0.00012%); highest among the groups gnomAD compares: South Asian, 0.0022%; no homozygotes.

Submission:

Labcorp Genetics (formerly Invitae), Labcorp
Classification: Uncertain significance for DICER1-related tumor predisposition. Last evaluated: 2020-09-15. Review status: criteria provided, single submitter. Criteria: Invitae Variant Classification Sherloc (09022015). Collection method: clinical testing. Allele origin: germline.
Comment: This sequence change replaces alanine with serine at codon 1807 of the DICER1 protein (p.Ala1807Ser). The alanine residue is highly conserved and there is a moderate physicochemical difference between alanine and serine. In summary, the available evidence is currently insufficient to determine the role of this variant in disease. Therefore, it has been classified as a Variant of Uncertain Significance. Algorithms developed to predict the effect of missense changes on protein structure and function (SIFT, PolyPhen-2, Align-GVGD) all suggest that this variant is likely to be disruptive, but these predictions have not been confirmed by published functional studies and their clinical significance is uncertain. This variant has not been reported in the literature in individuals with DICER1-related conditions. This variant is not present in population databases (ExAC no frequency).